The following is an entry in ClinVar:

NM_003742.4(ABCB11):c.731_732insA (p.Ile245fs)

Gene: ABCB11 (ATP binding cassette subfamily B member 11; minus strand). Cytogenetic location: 2q31.1.
Variant type: Insertion.
Coding change: c.731_732insA on transcript NM_003742.4 (MANE Select); coding-DNA positions 731 to 732, A inserted.
Protein change: p.Ile245fs; shifts the reading frame from isoleucine 245.
Molecular consequence: frameshift variant.
Genome position: GRCh38 VCF-style: chr2-168993762-A-AT. GRCh37 (hg19) VCF-style: chr2-169850272-A-AT.
Other names: short protein forms I245fs.
Identifiers: ClinVar variation 4846052 (VCV004846052.1).

ClinVar aggregate classification (germline): Pathogenic (1 of 4 stars; one submission).

Conditions:
Familial intrahepatic cholestasis. Identifiers: Orphanet 284385, MedGen CN296401, MONDO:0017290.

Submission:

Genomenon, Inc
Classification: Pathogenic for Familial intrahepatic cholestasis. Last evaluated: 2026-04-14. Review status: criteria provided, single submitter. Criteria: Genomenon Sequence Variant Interpretation Standards - Updated. Collection method: curation. Allele origin: germline. Affected: yes.
Comment: ABCB11 p.Ile245TyrfsTer26 (c.731_732insA) is a frameshift variant that results in the production of a truncated protein which is predicted to undergo nonsense-mediated mRNA decay. This variant has been observed in at least one proband with an ABCB11-related disorder (PMID:34828443;32087350). It is absent or not present at a significant frequency in gnomAD. In conclusion, we classify ABCB11 p.Ile245TyrfsTer26 (c.731_732insA) as a pathogenic variant.

Literature cited by the submitters: PubMed 34828443; PubMed 32087350.